The following is an entry in ClinVar:

ClinVar aggregate classification (germline): Uncertain significance. Review status: criteria provided, multiple submitters, no conflicts (2 of 4 stars). 2 submissions from 2 submitters: Uncertain significance (2). Last evaluated 2025-12-31.

Conditions:
Hypertrophic cardiomyopathy. Also called: HYPERTROPHIC MYOCARDIOPATHY. Identifiers: Orphanet 217569, MedGen C0007194, MeSH D002312, MONDO:0005045, HP:0001639.
Primary dilated cardiomyopathy (DCM). Also called: Dilated Cardiomyopathy. Identifiers: Orphanet 217604, MedGen C0007193, MeSH D002311, MONDO:0005021, HP:0001644. Inheritance: Various modes of inheritance.

gnomAD v4.1: 3 of 1,614,022 alleles (0.00019%); highest among the groups gnomAD compares: Non-Finnish European, 0.00025%; no homozygotes.

Submissions (2):

Labcorp Genetics (formerly Invitae), Labcorp
Classification: Uncertain significance for Hypertrophic cardiomyopathy; Primary dilated cardiomyopathy. Last evaluated: 2025-12-31. Review status: criteria provided, single submitter. Criteria: Invitae Variant Classification Sherloc (09022015). Collection method: clinical testing. Allele origin: germline.
Comment: This sequence change replaces alanine, which is neutral and non-polar, with threonine, which is neutral and polar, at codon 308 of the PDLIM3 protein (p.Ala308Thr). This variant is present in population databases (rs779866944, gnomAD 0.0009%). This variant has not been reported in the literature in individuals affected with PDLIM3-related conditions. ClinVar contains an entry for this variant (Variation ID: 3416600). Invitae Evidence Modeling of protein sequence and biophysical properties (such as structural, functional, and spatial information, amino acid conservation, physicochemical variation, residue mobility, and thermodynamic stability) indicates that this missense variant is not expected to disrupt PDLIM3 protein function with a negative predictive value of 80%. In summary, the available evidence is currently insufficient to determine the role of this variant in disease. Therefore, it has been classified as a Variant of Uncertain Significance.

Ambry Genetics
Classification: Uncertain significance. Last evaluated: 2024-09-08. Review status: criteria provided, single submitter. Criteria: Ambry Variant Classification Scheme 2023. Collection method: clinical testing. Allele origin: germline.
Comment: The p.A308T variant (also known as c.922G>A), located in coding exon 8 of the PDLIM3 gene, results from a G to A substitution at nucleotide position 922. The alanine at codon 308 is replaced by threonine, an amino acid with similar properties. This amino acid position is conserved. In addition, this alteration is predicted to be deleterious by in silico analysis. Based on the available evidence, the clinical significance of this variant remains unclear.

NM_014476.6(PDLIM3):c.922G>A (p.Ala308Thr)

Gene: PDLIM3 (PDZ and LIM domain 3; minus strand). Cytogenetic location: 4q35.1.
Variant type: single nucleotide variant.
Coding change: c.922G>A on transcript NM_014476.6 (MANE Select); coding-DNA position 922, G replaced by A.
Protein change: p.Ala308Thr; replaces alanine 308 with threonine.
Molecular consequence: missense variant. On other transcripts: non-coding transcript variant (1).
Genome position (GRCh38, 1-based): chr4:185,502,467, C>T on the plus strand (G>A on the coding strand, the complement: PDLIM3 is on the minus strand). VCF-style: chr4-185502467-C-T. GRCh37 (hg19) VCF-style: chr4-186423621-C-T.
Other names: c.778G>A, p.Ala260Thr (NM_001114107.5); c.658G>A, p.Ala220Thr (NM_001257962.2); c.421G>A, p.Ala141Thr (NM_001257963.2); short protein forms A141T, A260T, A308T, A220T.
Identifiers: ClinVar variation 3416600 (VCV003416600.2).